The following is an entry in ClinVar:

ClinVar aggregate classification (germline): Benign. Review status: criteria provided, multiple submitters, no conflicts (2 of 4 stars). 7 submissions from 7 submitters: Benign (7). Last evaluated 2026-02-04.

Conditions:
Mendelian susceptibility to mycobacterial diseases due to complete IL12RB1 deficiency. Also called: IL12RB1 DEFICIENCY; Immunodeficiency 30. Identifiers: Orphanet 319552, MedGen C4013949, MONDO:0013955, OMIM 614891.

Allele frequency attached by ClinVar (database versions not stated): 1000 Genomes Project 30x 0.22439; 1000 Genomes Project 0.22983; TOPMed 0.23884; ESP Exome Variant Server 0.25404.
gnomAD v4.1: 484,597 of 1,610,226 alleles (30%); highest among the groups gnomAD compares: East Asian, 38%; 75,834 homozygotes.

Submissions (7):

Labcorp Genetics (formerly Invitae), Labcorp
Classification: Benign for Mendelian susceptibility to mycobacterial diseases due to complete IL12RB1 deficiency. Last evaluated: 2026-02-04. Review status: criteria provided, single submitter. Criteria: Invitae Variant Classification Sherloc (09022015). Collection method: clinical testing. Allele origin: germline.

Blueprint Genetics
Classification: Benign. Last evaluated: 2024-11-28. Review status: criteria provided, single submitter. Criteria: ACMG Guidelines, 2015. Collection method: clinical testing. Allele origin: germline.

Unidad de Genómica Garrahan, Hospital de Pediatría Garrahan
Classification: Benign. Last evaluated: 2024-01-24. Review status: criteria provided, single submitter. Criteria: ACMG Guidelines, 2015. Collection method: clinical testing. Allele origin: germline. Affected: no. Observed: 31 variant alleles.
Comment: This variant is classified as Benign based on local population frequency. This variant was detected in 35% of patients studied by a panel of primary immunodeficiencies. Number of patients: 31. Only high quality variants are reported.

Genome-Nilou Lab
Classification: Benign for Mendelian susceptibility to mycobacterial diseases due to complete IL12RB1 deficiency. Last evaluated: 2021-08-19. Review status: criteria provided, single submitter. Criteria: ACMG Guidelines, 2015. Collection method: clinical testing. Allele origin: germline. Affected: no.

Illumina Laboratory Services, Illumina
Classification: Benign for Mendelian susceptibility to mycobacterial diseases due to complete IL12RB1 deficiency. Last evaluated: 2018-01-12. Review status: criteria provided, single submitter. Criteria: ICSL Variant Classification Criteria 13 December 2019. Collection method: clinical testing. Allele origin: germline.
Comment: This variant was observed in the ICSL laboratory as part of a predisposition screen in an ostensibly healthy population. It had not been previously curated by ICSL or reported in the Human Gene Mutation Database (HGMD: prior to June 1st, 2018), and was therefore a candidate for classification through an automated scoring system. Utilizing variant allele frequency, disease prevalence and penetrance estimates, and inheritance mode, an automated score was calculated to assess if this variant is too frequent to cause the disease. Based on the score and internal cut-off values, a variant classified as benign is not then subjected to further curation. The score for this variant resulted in a classification of benign for this disease.

Laboratory for Molecular Medicine, Mass General Brigham Personalized Medicine
Classification: Benign. Last evaluated: 2016-03-29. Review status: criteria provided, single submitter. Criteria: LMM Criteria. Collection method: clinical testing. Allele origin: germline.
Comment: Variant identified in a genome or exome case(s) and assessed due to predicted null impact of the variant or pathogenic assertions in the literature or databases. Disclaimer: This variant has not undergone full assessment. The following are preliminary notes: Frequency

Breakthrough Genomics
Classification: Benign. Review status: criteria provided, single submitter. Criteria: ACMG Guidelines, 2015. Collection method: not provided. Allele origin: germline. Inheritance: Autosomal recessive inheritance. Affected: yes.

NM_005535.3(IL12RB1):c.684C>T (p.Pro228=)

Gene: IL12RB1 (interleukin 12 receptor subunit beta 1; minus strand). Cytogenetic location: 19p13.11.
Variant type: single nucleotide variant.
Coding change: c.684C>T on transcript NM_005535.3 (MANE Select); coding-DNA position 684, C replaced by T.
Protein change: p.Pro228=; no amino-acid change (proline 228 retained).
Molecular consequence: synonymous variant.
Genome position (GRCh38, 1-based): chr19:18,075,765, G>A on the plus strand (C>T on the coding strand, the complement: IL12RB1 is on the minus strand). VCF-style: chr19-18075765-G-A. GRCh37 (hg19) VCF-style: chr19-18186575-G-A.
Other names: c.684C>T, p.Pro228= (NM_001290023.2, NM_153701.3); c.804C>T, p.Pro268= (NM_001290024.2).
Identifiers: ClinVar variation 328596 (VCV000328596.22), dbSNP rs17852635, ClinGen allele CA9305119.
Genomic context (GRCh38, chr19:18,075,765, plus strand): 5'-ATTTCTAATGCTTGCCCCTGTTCCTGTACTCAGAGTGATCTTACCAGGGGGAACGCACAC[G>A]GGGCTGCTCCACTTGCTCCAGGAACTTCCTTGGCTCCCCAGCTGCCGTCGTCGGAGCTGG-3'
Protein context (NP_005526.1, residues 218-238): QGSSWSKWSS[Pro228=]VCVPPENPPQ